The following is an entry in ClinVar:

NM_000038.6(APC):c.2183A>T (p.Asn728Ile)

Gene: APC (APC regulator of Wnt signaling pathway; plus strand). Cytogenetic location: 5q22.2.
Variant type: single nucleotide variant.
Coding change: c.2183A>T on transcript NM_000038.6 (MANE Select); coding-DNA position 2183, A replaced by T.
Protein change: p.Asn728Ile; replaces asparagine 728 with isoleucine.
Molecular consequence: missense variant.
Genome position (GRCh38, 1-based): chr5:112,837,777, A>T. VCF-style: chr5-112837777-A-T. GRCh37 (hg19) VCF-style: chr5-112173474-A-T.
Other names: c.2183A>T, p.Asn728Ile (NM_001127510.3, NM_001354895.2); c.2129A>T, p.Asn710Ile (NM_001127511.3); c.2237A>T, p.Asn746Ile (NM_001354896.2); c.2213A>T, p.Asn738Ile (NM_001354897.2); c.2108A>T, p.Asn703Ile (NM_001354898.2); c.2099A>T, p.Asn700Ile (NM_001354899.2); c.2060A>T, p.Asn687Ile (NM_001354900.2); c.2006A>T, p.Asn669Ile (NM_001354901.2); and 5 more; short protein forms N568I, N602I, N445I, N669I, N703I, N627I, N710I, N728I.
Identifiers: ClinVar variation 939212 (VCV000939212.11), dbSNP rs1765120944, ClinGen allele CA16026114.

ClinVar aggregate classification (germline): Uncertain significance (1 of 4 stars; one submission).

Conditions:
Familial adenomatous polyposis 1 (FAP1). Also called: FAMILIAL ADENOMATOUS POLYPOSIS 1, ATTENUATED; POLYPOSIS, ADENOMATOUS INTESTINAL. Identifiers: MedGen C2713442, MONDO:0021056, OMIM 175100. Disease mechanism: loss of function.

Submission:

Labcorp Genetics (formerly Invitae), Labcorp
Classification: Uncertain significance for Familial adenomatous polyposis 1. Last evaluated: 2019-07-10. Review status: criteria provided, single submitter. Criteria: Invitae Variant Classification Sherloc (09022015). Collection method: clinical testing. Allele origin: germline.
Comment: In summary, the available evidence is currently insufficient to determine the role of this variant in disease. Therefore, it has been classified as a Variant of Uncertain Significance. Algorithms developed to predict the effect of missense changes on protein structure and function (SIFT, PolyPhen-2, Align-GVGD) all suggest that this variant is likely to be disruptive, but these predictions have not been confirmed by published functional studies and their clinical significance is uncertain. This variant has not been reported in the literature in individuals with APC-related conditions. This variant is not present in population databases (ExAC no frequency). This sequence change replaces asparagine with isoleucine at codon 728 of the APC protein (p.Asn728Ile). The asparagine residue is highly conserved and there is a large physicochemical difference between asparagine and isoleucine.